The following is an entry in ClinVar:

ClinVar aggregate classification (germline): Uncertain significance. Review status: criteria provided, multiple submitters, no conflicts (2 of 4 stars). 2 submissions from 2 submitters: Uncertain significance (2). Last evaluated 2024-11-10.

Conditions:
Inborn genetic diseases. Identifiers: MedGen C0950123, MeSH D030342.

Allele frequency attached by ClinVar (database versions not stated): gnomAD exomes below 0.00001.
gnomAD v4.1: 3 of 1,611,394 alleles (0.00019%); highest among the groups gnomAD compares: East Asian, 0.0067%; no homozygotes.

Submissions (2):

Ambry Genetics
Classification: Uncertain significance for Inborn genetic diseases. Last evaluated: 2024-11-10. Review status: criteria provided, single submitter. Criteria: Ambry Variant Classification Scheme 2023. Collection method: clinical testing. Allele origin: germline.

Labcorp Genetics (formerly Invitae), Labcorp
Classification: Uncertain significance. Last evaluated: 2022-09-12. Review status: criteria provided, single submitter. Criteria: Invitae Variant Classification Sherloc (09022015). Collection method: clinical testing. Allele origin: germline.
Comment: In summary, the available evidence is currently insufficient to determine the role of this variant in disease. Therefore, it has been classified as a Variant of Uncertain Significance. Algorithms developed to predict the effect of missense changes on protein structure and function output the following: SIFT: "Tolerated"; PolyPhen-2: "Benign"; Align-GVGD: "Class C0". The histidine amino acid residue is found in multiple mammalian species, which suggests that this missense change does not adversely affect protein function. This variant has not been reported in the literature in individuals affected with RHBDF2-related conditions. This variant is present in population databases (no rsID available, gnomAD 0.01%). This sequence change replaces tyrosine, which is neutral and polar, with histidine, which is basic and polar, at codon 826 of the RHBDF2 protein (p.Tyr826His).

NM_001005498.4(RHBDF2):c.2389T>C (p.Tyr797His)

Gene: RHBDF2 (rhomboid 5 homolog 2; minus strand). Cytogenetic location: 17q25.1.
Variant type: single nucleotide variant.
Coding change: c.2389T>C on transcript NM_001005498.4 (MANE Select); coding-DNA position 2389, T replaced by C.
Protein change: p.Tyr797His; replaces tyrosine 797 with histidine.
Molecular consequence: missense variant. On other transcripts: non-coding transcript variant (3).
Genome position (GRCh38, 1-based): chr17:76,471,728, A>G on the plus strand (T>C on the coding strand, the complement: RHBDF2 is on the minus strand). VCF-style: chr17-76471728-A-G. GRCh37 (hg19) VCF-style: chr17-74467810-A-G.
Other names: c.2389T>C, p.Tyr797His (NM_001376228.1, NM_001376229.1, NM_001376230.1); c.2476T>C, p.Tyr826His (NM_024599.5); short protein forms Y826H, Y797H.
Identifiers: ClinVar variation 2028356 (VCV002028356.5), dbSNP rs1211218604, ClinGen allele CA401163509.